The following is an entry in ClinVar:

ClinVar aggregate classification (germline): Conflicting classifications of pathogenicity. Review status: criteria provided, conflicting classifications (1 of 4 stars). 8 submissions from 8 submitters: Uncertain significance (7); Likely benign (1). Last evaluated 2026-04-28.

Conditions:
Hereditary cancer-predisposing syndrome. Also called: Hereditary neoplastic syndrome; Tumor predisposition; Hereditary Cancer Syndrome; Neoplastic Syndromes, Hereditary. Identifiers: Orphanet 140162, MedGen C0027672, MeSH D009386, MONDO:0015356.
Lynch syndrome. Identifiers: Orphanet 144, MedGen C4552100, MONDO:0005835. Disease mechanism: loss of function.
Hereditary nonpolyposis colorectal neoplasms. Identifiers: MedGen C0009405, MeSH D003123.

Allele frequency attached by ClinVar (database versions not stated): gnomAD exomes below 0.00001.
gnomAD v4.1: 13 of 1,614,216 alleles (0.00081%); highest among the groups gnomAD compares: Non-Finnish European, 0.00085%; no homozygotes.

Submissions (8):

Women's Health and Genetics/Laboratory Corporation of America, LabCorp
Classification: Uncertain significance. Last evaluated: 2026-04-28. Review status: criteria provided, single submitter. Criteria: LabCorp Variant Classification Summary - May 2015. Collection method: clinical testing. Allele origin: germline.
Comment: Variant summary: PMS2 c.1249A>C (p.Ile417Leu) results in a conservative amino acid change in the encoded protein sequence. Algorithms developed to predict the effect of missense changes on protein structure and function all suggest that this variant is likely to be tolerated. The variant allele was found at a frequency of 4e-06 in 251148 control chromosomes. The available data on variant occurrences in the general population are insufficient to allow any conclusion about variant significance. c.1249A>C has been observed in individual(s) affected with pancreatic cancer (Cremin_2020). These report(s) do not provide unequivocal conclusions about association of the variant with Hereditary Nonpolyposis Colorectal Cancer. To our knowledge, no experimental evidence demonstrating an impact on protein function has been reported. The following publications have been ascertained in the context of this evaluation (PMID: 32255556, 39334433). ClinVar contains an entry for this variant (Variation ID: 411052). Based on the evidence outlined above, the variant was classified as uncertain significance.

Dasa
Classification: Uncertain significance. Last evaluated: 2026-03-23. Review status: criteria provided, single submitter. Criteria: DASA Assertion Criteria. Collection method: clinical testing. Allele origin: germline.
Comment: NM_000535.7(PMS2):c.1249A>C (p.Ile417Leu) is a missense variant that results in the substitution of isoleucine with leucine. This variant is rare in population databases. Computational prediction algorithms are consistent with a benign effect. The currently available literature and clinical evidence are not sufficient to establish a definitive association between this variant and the reported condition. Therefore, this variant is classified as a variant of uncertain significance.

Labcorp Genetics (formerly Invitae), Labcorp
Classification: Uncertain significance for Hereditary nonpolyposis colorectal neoplasms. Last evaluated: 2026-01-12. Review status: criteria provided, single submitter. Criteria: Invitae Variant Classification Sherloc (09022015). Collection method: clinical testing. Allele origin: germline.
Comment: This sequence change replaces isoleucine, which is neutral and non-polar, with leucine, which is neutral and non-polar, at codon 417 of the PMS2 protein (p.Ile417Leu). This variant is present in population databases (no rsID available, gnomAD 0.0009%). This missense change has been observed in individual(s) with pancreatic ductal adenocarcinoma (PDAC) (PMID: 32255556). ClinVar contains an entry for this variant (Variation ID: 411052). Invitae Evidence Modeling incorporating data from in vitro experimental studies (internal data) indicates that this missense variant is not expected to disrupt PMS2 function with a negative predictive value of 95%. In summary, the available evidence is currently insufficient to determine the role of this variant in disease. Therefore, it has been classified as a Variant of Uncertain Significance.

Ambry Genetics
Classification: Likely benign for Hereditary cancer-predisposing syndrome. Last evaluated: 2024-10-11. Review status: criteria provided, single submitter. Criteria: Ambry Variant Classification Scheme 2023. Collection method: clinical testing. Allele origin: germline.

All of Us Research Program, National Institutes of Health
Classification: Uncertain significance for Lynch syndrome. Last evaluated: 2024-02-05. Review status: criteria provided, single submitter. Criteria: ACMG Guidelines, 2015. Collection method: clinical testing. Allele origin: germline. Inheritance: Autosomal dominant inheritance. Observed: 5 variant alleles, 5 heterozygotes.
Comment: This missense variant replaces isoleucine with leucine at codon 417 of the PMS2 protein. Computational prediction suggests that this variant may not impact protein structure and function (internally defined REVEL score threshold <= 0.5, PMID: 27666373). To our knowledge, functional studies have not been reported for this variant. This variant has been reported in an individual affected with pancreatic ductal adenocarcinoma (PMID: 32255556). This variant has been identified in 1/251148 chromosomes in the general population by the Genome Aggregation Database (gnomAD). The available evidence is insufficient to determine the role of this variant in disease conclusively. Therefore, this variant is classified as a Variant of Uncertain Significance.

This study involves interpretation of variants in research participants for the purpose of population health screening. Participant phenotype was not available at the time of variant classification. Additional details can be found in publication PMID: 35346344, PMCID: PMC8962531

Quest Diagnostics Nichols Institute San Juan Capistrano
Classification: Uncertain significance. Last evaluated: 2023-06-20. Review status: criteria provided, single submitter. Criteria: Quest Diagnostics criteria. Collection method: clinical testing. Allele origin: unknown.
Comment: In the published literature, this variant has been reported in an individual with pancreatic ductal adenocarcinoma (PMID: 32255556 (2020)). In a large-scale breast cancer association study, the variant was seen among the breast cancer cases (PMID: 33471991 (2021), see also LOVD). The frequency of this variant in the general population, 0.000004 (1/251148 chromosomes (Genome Aggregation Database)), is uninformative in the assessment of its pathogenicity. Analysis of this variant using bioinformatics tools for the prediction of the effect of amino acid changes on protein structure and function yielded predictions that this variant is benign. Based on the available information, we are unable to determine the clinical significance of this variant.

Color Diagnostics, LLC DBA Color Health
Classification: Uncertain significance for Hereditary cancer-predisposing syndrome. Last evaluated: 2023-03-31. Review status: criteria provided, single submitter. Criteria: ACMG Guidelines, 2015. Collection method: clinical testing. Allele origin: germline.
Comment: This missense variant replaces isoleucine with leucine at codon 417 of the PMS2 protein. Computational prediction suggests that this variant may not impact protein structure and function (internally defined REVEL score threshold <= 0.5, PMID: 27666373). To our knowledge, functional studies have not been reported for this variant. This variant has been reported in an individual affected with pancreatic ductal adenocarcinoma (PMID: 32255556). This variant has been identified in 1/251148 chromosomes in the general population by the Genome Aggregation Database (gnomAD). The available evidence is insufficient to determine the role of this variant in disease conclusively. Therefore, this variant is classified as a Variant of Uncertain Significance.

GeneDx
Classification: Uncertain significance. Last evaluated: 2019-06-10. Review status: criteria provided, single submitter. Criteria: GeneDx Variant Classification Process June 2021. Collection method: clinical testing. Allele origin: germline. Affected: yes.
Comment: Not observed at a significant frequency in large population cohorts (Lek et al., 2016); Has not been previously published as pathogenic or benign to our knowledge; This variant is associated with the following publications: (PMID: 32255556)

Literature cited by the submitters: PubMed 32255556 (cited by 6 submitters); PubMed 39334433 (cited by Women's Health and Genetics/Laboratory Corporation of America, LabCorp); PubMed 33471991 (cited by Quest Diagnostics Nichols Institute San Juan Capistrano).

NM_000535.7(PMS2):c.1249A>C (p.Ile417Leu)

Gene: PMS2 (PMS1 homolog 2, mismatch repair system component; minus strand). Cytogenetic location: 7p22.1.
Variant type: single nucleotide variant.
Coding change: c.1249A>C on transcript NM_000535.7 (MANE Select); coding-DNA position 1249, A replaced by C.
Protein change: p.Ile417Leu; replaces isoleucine 417 with leucine.
Molecular consequence: missense variant. On other transcripts: non-coding transcript variant (1).
Genome position (GRCh38, 1-based): chr7:5,987,516, T>G on the plus strand (A>C on the coding strand, the complement: PMS2 is on the minus strand). VCF-style: chr7-5987516-T-G. GRCh37 (hg19) VCF-style: chr7-6027147-T-G.
Other names: c.844A>C, p.Ile282Leu (NM_001322003.2, NM_001322004.2, NM_001322005.2 and 1 more transcripts); c.1093A>C, p.Ile365Leu (NM_001322006.2); c.931A>C, p.Ile311Leu (NM_001322007.2, NM_001322008.2); c.688A>C, p.Ile230Leu (NM_001322010.2); c.316A>C, p.Ile106Leu (NM_001322011.2, NM_001322012.2); c.676A>C, p.Ile226Leu (NM_001322013.2); c.1249A>C, p.Ile417Leu (NM_001322014.2); c.940A>C, p.Ile314Leu (NM_001322015.2); short protein forms I417L, I106L, I282L, I314L, I365L, I226L, I230L, I311L.
Identifiers: ClinVar variation 411052 (VCV000411052.25), dbSNP rs1060503132, ClinGen allele CA16612223.